The following is an entry in ClinVar:

ClinVar aggregate classification (germline): Benign/Likely benign. Review status: criteria provided, multiple submitters, no conflicts (2 of 4 stars). 5 submissions from 5 submitters: Benign (2); Likely benign (3). Last evaluated 2026-02-03.

Conditions:
Inborn genetic diseases. Identifiers: MedGen C0950123, MeSH D030342.
Multiple congenital anomalies-hypotonia-seizures syndrome 1 (MCAHS1). Also called: PIGN-CDG; Congenital disorder of glycosylation due to PIGN deficiency; GLYCOSYLPHOSPHATIDYLINOSITOL BIOSYNTHESIS DEFECT 3. Identifiers: Orphanet 280633, MedGen C3279775, MONDO:0013563, OMIM 614080.

Submissions (5):

Labcorp Genetics (formerly Invitae), Labcorp
Classification: Benign for Multiple congenital anomalies-hypotonia-seizures syndrome 1. Last evaluated: 2026-02-03. Review status: criteria provided, single submitter. Criteria: Invitae Variant Classification Sherloc (09022015). Collection method: clinical testing. Allele origin: germline.

Mayo Clinic Laboratories, Mayo Clinic
Classification: Likely benign. Last evaluated: 2025-10-10. Review status: criteria provided, single submitter. Criteria: ACMG Guidelines, 2015. Collection method: clinical testing. Allele origin: germline. Observed: 62 variant alleles.
Comment: BP4, BP7

Blueprint Genetics
Classification: Likely benign. Last evaluated: 2024-11-28. Review status: criteria provided, single submitter. Criteria: ACMG Guidelines, 2015. Collection method: clinical testing. Allele origin: germline.

Ambry Genetics
Classification: Likely benign for Inborn genetic diseases. Last evaluated: 2018-04-03. Review status: criteria provided, single submitter. Criteria: Ambry General Variant Classification Scheme_2022. Collection method: clinical testing. Allele origin: germline. Observed: 1 variant allele.

Genomic Diagnostic Laboratory, Division of Genomic Diagnostics, Children's Hospital of Philadelphia
Classification: Benign. Last evaluated: 2015-04-12. Review status: criteria provided, single submitter. Criteria: DGD Variant Analysis Guidelines. Collection method: clinical testing. Allele origin: unknown.

NM_176787.5(PIGN):c.2620-5del

Gene: PIGN (phosphatidylinositol glycan anchor biosynthesis class N; minus strand). Cytogenetic location: 18q21.33.
Variant type: Deletion.
Coding change: c.2620-5del on transcript NM_176787.5 (MANE Select); 5 bases into the intron before coding-DNA position 2620, one base deleted (T; older notation c.2620-5delT).
Molecular consequence: intron variant.
Genome position (GRCh38, 1-based): chr18:62,072,730, A deleted on the plus strand (T on the coding strand, the reverse complement: PIGN is on the minus strand); the first of 13 consecutive A bases (chr18:62,072,730-62,072,742); deleting any one gives the same sequence. VCF-style (leftmost placement, unchanged base first): chr18-62072729-TA-T. GRCh37 (hg19) VCF-style: chr18-59739962-TA-T.
Other names: p.?; c.2620-5del (NM_012327.6).
Identifiers: ClinVar variation 218857 (VCV000218857.15), dbSNP rs11437076, ClinGen allele CA249208.